The following is an entry in ClinVar:

NM_001111125.3(IQSEC2):c.150G>C (p.Gln50His)

Gene: IQSEC2 (IQ motif and Sec7 domain ArfGEF 2; minus strand). Cytogenetic location: Xp11.22.
Variant type: single nucleotide variant.
Coding change: c.150G>C on transcript NM_001111125.3 (MANE Select); coding-DNA position 150, G replaced by C.
Protein change: p.Gln50His; replaces glutamine 50 with histidine.
Molecular consequence: missense variant.
Genome position (GRCh38, 1-based): chrX:53,320,974, C>G on the plus strand (G>C on the coding strand, the complement: IQSEC2 is on the minus strand). VCF-style: chrX-53320974-C-G. GRCh37 (hg19) VCF-style: chrX-53350172-C-G.
Other names: c.150G>C, p.Gln50His (NM_001410736.1); short protein forms Q50H.
Identifiers: ClinVar variation 3634913 (VCV003634913.2).

ClinVar aggregate classification (germline): Uncertain significance (1 of 4 stars; one submission).

Conditions:
Intellectual developmental disorder, X-linked 1. Also called: Atkin Flaitz Patil Smith syndrome; MENTAL RETARDATION, X-LINKED 18; MENTAL RETARDATION, X-LINKED 78; Intellectual disability, X-linked 1. Identifiers: Orphanet 777, MedGen C2931498, MONDO:0010656, OMIM 309530.

Submission:

Labcorp Genetics (formerly Invitae), Labcorp
Classification: Uncertain significance for Intellectual developmental disorder, X-linked 1. Last evaluated: 2026-01-12. Review status: criteria provided, single submitter. Criteria: Invitae Variant Classification Sherloc (09022015). Collection method: clinical testing. Allele origin: germline.
Comment: This sequence change replaces glutamine, which is neutral and polar, with histidine, which is basic and polar, at codon 50 of the IQSEC2 protein (p.Gln50His). This variant is not present in population databases (gnomAD no frequency). This variant has not been reported in the literature in individuals affected with IQSEC2-related conditions. ClinVar contains an entry for this variant (Variation ID: 3634913). Invitae Evidence Modeling of protein sequence and biophysical properties (such as structural, functional, and spatial information, amino acid conservation, physicochemical variation, residue mobility, and thermodynamic stability) indicates that this missense variant is not expected to disrupt IQSEC2 protein function with a negative predictive value of 95%. In summary, the available evidence is currently insufficient to determine the role of this variant in disease. Therefore, it has been classified as a Variant of Uncertain Significance.